The following is an entry in ClinVar:

NM_006939.4(SOS2):c.761C>T (p.Thr254Ile)

Gene: SOS2 (SOS Ras/Rho guanine nucleotide exchange factor 2; minus strand). Cytogenetic location: 14q21.3.
Variant type: single nucleotide variant.
Coding change: c.761C>T on transcript NM_006939.4 (MANE Select); coding-DNA position 761, C replaced by T.
Protein change: p.Thr254Ile; replaces threonine 254 with isoleucine.
Molecular consequence: missense variant.
Genome position (GRCh38, 1-based): chr14:50,182,560, G>A on the plus strand (C>T on the coding strand, the complement: SOS2 is on the minus strand). VCF-style: chr14-50182560-G-A. GRCh37 (hg19) VCF-style: chr14-50649278-G-A.
Other names: c.761C>T, p.Thr254Ile (NM_001411020.1); short protein forms T254I.
Identifiers: ClinVar variation 3799927 (VCV003799927.1).

ClinVar aggregate classification (germline): Uncertain significance (1 of 4 stars; one submission).

Conditions:
Cardiovascular phenotype. Identifiers: MedGen CN230736.

Submission:

Ambry Genetics
Classification: Uncertain significance for Cardiovascular phenotype. Last evaluated: 2025-02-20. Review status: criteria provided, single submitter. Criteria: Ambry Variant Classification Scheme 2023. Collection method: clinical testing. Allele origin: germline.
Comment: The p.T254I variant (also known as c.761C>T), located in coding exon 6 of the SOS2 gene, results from a C to T substitution at nucleotide position 761. The threonine at codon 254 is replaced by isoleucine, an amino acid with similar properties. This amino acid position is conserved. In addition, this alteration is predicted to be deleterious by in silico analysis. Based on the available evidence, the clinical significance of this variant remains unclear.